The following is an entry in ClinVar:

ClinVar aggregate classification (germline): Uncertain significance (1 of 4 stars; one submission).

Conditions:
Immunodeficiency 37 (IMD37). Identifiers: MedGen C4015195, MONDO:0014491, OMIM 616098.

Submission:

Labcorp Genetics (formerly Invitae), Labcorp
Classification: Uncertain significance for Immunodeficiency 37. Last evaluated: 2020-01-23. Review status: criteria provided, single submitter. Criteria: Invitae Variant Classification Sherloc (09022015). Collection method: clinical testing. Allele origin: germline.
Comment: In summary, the available evidence is currently insufficient to determine the role of this variant in disease. Therefore, it has been classified as a Variant of Uncertain Significance. Algorithms developed to predict the effect of missense changes on protein structure and function (SIFT, PolyPhen-2, Align-GVGD) all suggest that this variant is likely to be tolerated, but these predictions have not been confirmed by published functional studies and their clinical significance is uncertain. This variant has not been reported in the literature in individuals with BCL10-related conditions. This variant is not present in population databases (ExAC no frequency). This sequence change replaces asparagine with aspartic acid at codon 217 of the BCL10 protein (p.Asn217Asp). The asparagine residue is moderately conserved and there is a small physicochemical difference between asparagine and aspartic acid.

NM_003921.5(BCL10):c.649A>G (p.Asn217Asp)

Gene: BCL10 (BCL10 immune signaling adaptor; minus strand). Cytogenetic location: 1p22.3.
Variant type: single nucleotide variant.
Coding change: c.649A>G on transcript NM_003921.5 (MANE Select); coding-DNA position 649, A replaced by G.
Protein change: p.Asn217Asp; replaces asparagine 217 with aspartic acid.
Molecular consequence: missense variant.
Genome position (GRCh38, 1-based): chr1:85,267,680, T>C on the plus strand (A>G on the coding strand, the complement: BCL10 is on the minus strand). VCF-style: chr1-85267680-T-C. GRCh37 (hg19) VCF-style: chr1-85733363-T-C.
Other names: c.616A>G, p.Asn206Asp (NM_001320715.2); short protein forms N206D, N217D.
Identifiers: ClinVar variation 1056866 (VCV001056866.9), dbSNP rs2100743032, ClinGen allele CA340948195.